The following is an entry in ClinVar:

ClinVar aggregate classification (germline): Uncertain significance (1 of 4 stars; one submission).

gnomAD v4.1: 2 of 1,609,174 alleles (0.00012%); highest among the groups gnomAD compares: East Asian, 0.0045%; no homozygotes.

Submission:

GeneDx
Classification: Uncertain significance. Last evaluated: 2024-06-12. Review status: criteria provided, single submitter. Criteria: GeneDx Variant Classification Process June 2021. Collection method: clinical testing. Allele origin: germline. Affected: yes.
Comment: Not observed at significant frequency in large population cohorts (gnomAD); In silico analysis supports that this missense variant has a deleterious effect on protein structure/function; Has not been previously published as pathogenic or benign to our knowledge

NM_181552.4(CUX1):c.3424A>C (p.Asn1142His)

Gene: CUX1 (cut like homeobox 1; plus strand). Cytogenetic location: 7q22.1.
Variant type: single nucleotide variant.
Coding change: c.3424A>C on transcript NM_181552.4 (MANE Select); coding-DNA position 3424, A replaced by C.
Protein change: p.Asn1142His; replaces asparagine 1142 with histidine.
Molecular consequence: missense variant. On other transcripts: intron variant (5).
Genome position (GRCh38, 1-based): chr7:102,227,660, A>C. VCF-style: chr7-102227660-A-C. GRCh37 (hg19) VCF-style: chr7-101870940-A-C.
Other names: c.3457A>C, p.Asn1153His (NM_001202543.2); c.1255+32057A>C (NM_001913.5); c.1249+32057A>C (NM_181500.4); c.1117+32057A>C (NM_001202545.3); c.1207+32057A>C (NM_001202544.3); c.1138+32057A>C (NM_001202546.3); short protein forms N1142H, N1153H.
Identifiers: ClinVar variation 3390696 (VCV003390696.1).
Genomic context (GRCh38, chr7:102,227,660, plus strand): 5'-ATGTCCCCGGAGCTGGACACCTACGGCATAACCAAGCGGGTGAAGGAGGTGCTGACGGAC[A>C]ACAACCTCGGTAGGTTCTCCTCTCGGCTGCTGAGTCAGGAGGTGGCAGGGAGTTTGCAGG-3'
Protein context (NP_853530.2, residues 1132-1152): TKRVKEVLTD[Asn1142His]NLGQRLFGET